The following is an entry in ClinVar:

ClinVar aggregate classification (germline): Uncertain significance (1 of 4 stars; one submission).

Allele frequency attached by ClinVar (database versions not stated): TOPMed 0.00014; ExAC 0.00016; gnomAD 0.00021; gnomAD exomes 0.00023; ESP Exome Variant Server 0.00046.
gnomAD v4.1: 363 of 1,613,630 alleles (0.022%); highest among the groups gnomAD compares: South Asian, 0.031%; no homozygotes.

Submission:

Labcorp Genetics (formerly Invitae), Labcorp
Classification: Uncertain significance. Last evaluated: 2025-07-13. Review status: criteria provided, single submitter. Criteria: Invitae Variant Classification Sherloc (09022015). Collection method: clinical testing. Allele origin: germline.
Comment: This sequence change replaces arginine, which is basic and polar, with histidine, which is basic and polar, at codon 515 of the DSCAML1 protein (p.Arg515His). This variant is present in population databases (rs139663925, gnomAD 0.04%). This variant has not been reported in the literature in individuals affected with DSCAML1-related conditions. ClinVar contains an entry for this variant (Variation ID: 2055132). An algorithm developed to predict the effect of missense changes on protein structure and function (PolyPhen-2) suggests that this variant is likely to be disruptive. In summary, the available evidence is currently insufficient to determine the role of this variant in disease. Therefore, it has been classified as a Variant of Uncertain Significance.

NM_020693.4(DSCAML1):c.1364G>A (p.Arg455His)

Gene: DSCAML1 (DS cell adhesion molecule like 1; minus strand). Cytogenetic location: 11q23.3.
Variant type: single nucleotide variant.
Coding change: c.1364G>A on transcript NM_020693.4 (MANE Select); coding-DNA position 1364, G replaced by A.
Protein change: p.Arg455His; replaces arginine 455 with histidine.
Molecular consequence: missense variant.
Genome position (GRCh38, 1-based): chr11:117,518,612, C>T on the plus strand (G>A on the coding strand, the complement: DSCAML1 is on the minus strand). VCF-style: chr11-117518612-C-T. GRCh37 (hg19) VCF-style: chr11-117389327-C-T.
Other names: c.1364G>A, p.Arg455His (NM_001367904.1); c.956G>A, p.Arg319His (NM_001367905.1); short protein forms R455H, R319H.
Identifiers: ClinVar variation 2055132 (VCV002055132.4), dbSNP rs139663925, ClinGen allele CA6297282.